The following is an entry in ClinVar:

NM_001211.6(BUB1B):c.1306G>T (p.Ala436Ser)

Gene: BUB1B (BUB1 mitotic checkpoint serine/threonine kinase B; plus strand). Cytogenetic location: 15q15.1.
Variant type: single nucleotide variant.
Coding change: c.1306G>T on transcript NM_001211.6 (MANE Select); coding-DNA position 1306, G replaced by T.
Protein change: p.Ala436Ser; replaces alanine 436 with serine.
Molecular consequence: missense variant.
Genome position (GRCh38, 1-based): chr15:40,199,632, G>T. VCF-style: chr15-40199632-G-T. GRCh37 (hg19) VCF-style: chr15-40491833-G-T.
Other names: short protein forms A436S.
Identifiers: ClinVar variation 1769532 (VCV001769532.2), dbSNP rs2542554776, ClinGen allele CA391688610.

ClinVar aggregate classification (germline): Uncertain significance (1 of 4 stars; one submission).

Conditions:
Inborn genetic diseases. Identifiers: MedGen C0950123, MeSH D030342.

Submission:

Ambry Genetics
Classification: Uncertain significance for Inborn genetic diseases. Last evaluated: 2021-10-01. Review status: criteria provided, single submitter. Criteria: Ambry Variant Classification Scheme 2023. Collection method: clinical testing. Allele origin: germline.
Comment: The p.A436S variant (also known as c.1306G>T), located in coding exon 10 of the BUB1B gene, results from a G to T substitution at nucleotide position 1306. The alanine at codon 436 is replaced by serine, an amino acid with similar properties. This amino acid position is conserved. In addition, this alteration is predicted to be tolerated by in silico analysis. Since supporting evidence is limited at this time, the clinical significance of this alteration remains unclear.